The following is an entry in ClinVar:

NM_003850.3(SUCLA2):c.21C>T (p.Tyr7=)

Gene: SUCLA2 (succinate-CoA ligase ADP-forming subunit beta; minus strand). Cytogenetic location: 13q14.2.
Variant type: single nucleotide variant.
Coding change: c.21C>T on transcript NM_003850.3 (MANE Select); coding-DNA position 21, C replaced by T.
Protein change: p.Tyr7=; no amino-acid change (tyrosine 7 retained).
Molecular consequence: synonymous variant.
Genome position (GRCh38, 1-based): chr13:48,001,249, G>A on the plus strand (C>T on the coding strand, the complement: SUCLA2 is on the minus strand). VCF-style: chr13-48001249-G-A. GRCh37 (hg19) VCF-style: chr13-48575385-G-A.
Other names: p.Tyr7=.
Identifiers: ClinVar variation 312273 (VCV000312273.41), dbSNP rs374479008, ClinGen allele CA6978131.

ClinVar aggregate classification (germline): Conflicting classifications of pathogenicity. Review status: criteria provided, conflicting classifications (1 of 4 stars). 7 submissions from 7 submitters: Uncertain significance (1); Benign (1); Likely benign (5). Last evaluated 2025-11-03.

Conditions:
Mitochondrial DNA depletion syndrome, encephalomyopathic form with methylmalonic aciduria (MTDPS5). Also called: Mitochondrial DNA depletion syndrome 5 (encephalomyopathic with or without methylmalonic aciduria); MITOCHONDRIAL DNA DEPLETION SYNDROME, ENCEPHALOMYOPATHIC FORM, WITH OR WITHOUT METHYLMALONIC ACIDURIA, AUTOSOMAL RECESSIVE, SUCLA2-RELATED; Mitochondrial encephalomyopathy aminoacidopathy; SUCLA2-Related Mitochondrial DNA Depletion Syndrome, Encephalomyopathic Form with Methylmalonic Aciduria. Identifiers: Orphanet 1933, MedGen C5980207, MONDO:0012791, OMIM 612073.

Allele frequency attached by ClinVar (database versions not stated): ExAC 0.00005; TOPMed 0.00008; gnomAD exomes 0.00009; gnomAD 0.00013 and 0.00014; ESP Exome Variant Server 0.00015.
gnomAD v4.1: 159 of 1,604,876 alleles (0.0099%); highest among the groups gnomAD compares: Non-Finnish European, 0.012%; 2 homozygotes.

Submissions (7):

Labcorp Genetics (formerly Invitae), Labcorp
Classification: Likely benign for Mitochondrial DNA depletion syndrome, encephalomyopathic form with methylmalonic aciduria. Last evaluated: 2025-11-03. Review status: criteria provided, single submitter. Criteria: Invitae Variant Classification Sherloc (09022015). Collection method: clinical testing. Allele origin: germline.

CeGaT Center for Human Genetics Tuebingen
Classification: Likely benign. Last evaluated: 2025-09-01. Review status: criteria provided, single submitter. Criteria: CeGaT Center For Human Genetics Tuebingen Variant Classification Criteria Version 2. Collection method: clinical testing. Allele origin: germline. Affected: yes. Observed: 4 variant alleles.
Comment: SUCLA2: BP4, BP7

Mayo Clinic Laboratories, Mayo Clinic
Classification: Likely benign. Last evaluated: 2025-03-28. Review status: criteria provided, single submitter. Criteria: ACMG Guidelines, 2015. Collection method: clinical testing. Allele origin: germline. Observed: 1 variant allele.
Comment: BP4, BP7

Laboratory of Genetics, Children's Clinical University Hospital Latvia
Classification: Benign. Last evaluated: 2025-02-16. Review status: criteria provided, single submitter. Criteria: ACMG Guidelines, 2015. Collection method: clinical testing. Allele origin: germline. Affected: yes.

Blueprint Genetics
Classification: Likely benign. Last evaluated: 2024-11-20. Review status: criteria provided, single submitter. Criteria: ACMG Guidelines, 2015. Collection method: clinical testing. Allele origin: germline.

GeneDx
Classification: Likely benign. Last evaluated: 2019-12-10. Review status: criteria provided, single submitter. Criteria: GeneDx Variant Classification Process June 2021. Collection method: clinical testing. Allele origin: germline. Affected: yes.

Illumina Laboratory Services, Illumina
Classification: Uncertain significance for Mitochondrial DNA depletion syndrome, encephalomyopathic form with methylmalonic aciduria. Last evaluated: 2018-01-13. Review status: criteria provided, single submitter. Criteria: ICSL Variant Classification Criteria 13 December 2019. Collection method: clinical testing. Allele origin: germline.